The following is an entry in ClinVar:

NM_173076.3(ABCA12):c.5562+1G>A

Gene: ABCA12 (ATP binding cassette subfamily A member 12; minus strand). Cytogenetic location: 2q35.
Variant type: single nucleotide variant.
Coding change: c.5562+1G>A on transcript NM_173076.3 (MANE Select); the canonical splice donor site of the intron after coding-DNA position 5562, G replaced by A.
Molecular consequence: splice donor variant.
Genome position (GRCh38, 1-based): chr2:214,973,948, C>T on the plus strand (G>A on the coding strand, the complement: ABCA12 is on the minus strand). VCF-style: chr2-214973948-C-T. GRCh37 (hg19) VCF-style: chr2-215838672-C-T.
Other names: c.4608+1G>A (NM_015657.4).
Identifiers: ClinVar variation 3659437 (VCV003659437.2).

ClinVar aggregate classification (germline): Likely pathogenic (1 of 4 stars; one submission).

gnomAD v4.1: 1 of 1,613,038 alleles (0.000062%); highest among the groups gnomAD compares: South Asian, 0.0011%; no homozygotes.

Submission:

Labcorp Genetics (formerly Invitae), Labcorp
Classification: Likely pathogenic. Last evaluated: 2024-07-13. Review status: criteria provided, single submitter. Criteria: Invitae Variant Classification Sherloc (09022015). Collection method: clinical testing. Allele origin: germline.
Comment: This sequence change affects a donor splice site in intron 36 of the ABCA12 gene. It is expected to disrupt RNA splicing. Variants that disrupt the donor or acceptor splice site typically lead to a loss of protein function (PMID: 16199547), and loss-of-function variants in ABCA12 are known to be pathogenic (PMID: 20672373). The frequency data for this variant in the population databases is considered unreliable, as metrics indicate poor data quality at this position in the gnomAD database. This variant has not been reported in the literature in individuals affected with ABCA12-related conditions. Algorithms developed to predict the effect of sequence changes on RNA splicing suggest that this variant may disrupt the consensus splice site. In summary, the currently available evidence indicates that the variant is pathogenic, but additional data are needed to prove that conclusively. Therefore, this variant has been classified as Likely Pathogenic.

Literature cited by the submitters: PubMed 16199547; PubMed 20672373.